The following is an entry in ClinVar:

ClinVar aggregate classification (germline): Uncertain significance (1 of 4 stars; one submission).

Conditions:
Inborn genetic diseases. Identifiers: MedGen C0950123, MeSH D030342.

Submission:

Ambry Genetics
Classification: Uncertain significance for Inborn genetic diseases. Last evaluated: 2026-01-18. Review status: criteria provided, single submitter. Criteria: Ambry Variant Classification Scheme 2023. Collection method: clinical testing. Allele origin: germline.
Comment: The p.H317R variant (also known as c.950A>G), located in coding exon 5 of the ETV6 gene, results from an A to G substitution at nucleotide position 950. The histidine at codon 317 is replaced by arginine, an amino acid with highly similar properties. This amino acid position is conserved. In addition, the in silico prediction for this alteration is inconclusive. Based on the available evidence, the clinical significance of this variant remains unclear.

NM_001987.5(ETV6):c.950A>G (p.His317Arg)

Gene: ETV6 (ETS variant transcription factor 6; plus strand). Cytogenetic location: 12p13.2.
Variant type: single nucleotide variant.
Coding change: c.950A>G on transcript NM_001987.5 (MANE Select); coding-DNA position 950, A replaced by G.
Protein change: p.His317Arg; replaces histidine 317 with arginine.
Molecular consequence: missense variant.
Genome position (GRCh38, 1-based): chr12:11,869,910, A>G. VCF-style: chr12-11869910-A-G. GRCh37 (hg19) VCF-style: chr12-12022844-A-G.
Other names: c.947A>G, p.His316Arg (NM_001413913.1); c.923A>G, p.His308Arg (NM_001413914.1); c.686A>G, p.His229Arg (NM_001413915.1); c.950A>G, p.His317Arg (NM_001413916.1, NM_001413917.1); short protein forms H316R, H308R, H229R, H317R.
Identifiers: ClinVar variation 4824057 (VCV004824057.1).